The following continues an entry in ClinVar:

NM_000492.4(CFTR):c.1477C>T (p.Gln493Ter)

ClinVar aggregate classification (germline): Pathogenic. Pathogenic (1).

Submissions 15 to 21 of 21:

Myriad Genetics, Inc.
Classification: Pathogenic for Cystic fibrosis. Last evaluated: 2019-11-11. Review status: criteria provided, single submitter. Criteria: Myriad Women's Health Autosomal Recessive and X-Linked Classification Criteria (2019). Collection method: clinical testing. Allele origin: unknown. Not counted in ClinVar's aggregate classification.
Comment: NM_000492.3(CFTR):c.1477C>T(Q493*) is classified as pathogenic in the context of cystic fibrosis and is associated with the classic form of disease. Sources cited for classification include the following: PMID 23974870 and 18456578. Classification of NM_000492.3(CFTR):c.1477C>T(Q493*) is based on the following criteria: The variant causes a premature termination codon that is expected to be targeted by nonsense-mediated mRNA decay and is reported in individuals with the relevant phenotype. Please note: this variant was assessed in the context of healthy population screening.â€šÃ„Ã¶âˆšÃ‘âˆšÂ£

Eurofins Ntd Llc (ga)
Classification: Pathogenic. Last evaluated: 2018-08-15. Review status: criteria provided, single submitter. Criteria: EGL ClinVar v180209 classification definitions. Collection method: clinical testing. Allele origin: germline. Observed: 1 variant allele, 1 heterozygote. Not counted in ClinVar's aggregate classification.

CFTR-France
Classification: Pathogenic for cystic fibrosis. Last evaluated: 2018-01-29. Review status: criteria provided, single submitter. Criteria: Claustres M et al. (Hum Mutat 2017). Collection method: curation. Allele origin: germline. Affected: yes. Not counted in ClinVar's aggregate classification.

Illumina Laboratory Services, Illumina
Classification: Pathogenic for CFTR-Related Disorders. Last evaluated: 2017-08-15. Review status: criteria provided, single submitter. Criteria: ICSL Variant Classification Criteria 09 May 2019. Collection method: clinical testing. Allele origin: germline. Not counted in ClinVar's aggregate classification.
Comment: The CFTR c.1477C>T (p.Gln493Ter) stop-gained variant has been reported in at least four studies and is found in a total of six affected individuals including four compound heterozygotes, one complex heterozygote, and one presumed heterozygote (Kerem et al. 1990; Kristidis et al. 1992; Feuillet-Fieux et al. 2011; Steiner et al. 2011). Three of the compound heterozygotes have a clinical diagnosis of cystic fibrosis and pancreatic insufficiency and have the p.Phe508del variant as their second variant (Kristidis et al. 1992). Steiner et al. (2011) reported on a compound heterozygote with a diagnosis of congenital bilateral absence of the vas deferens. Feuillet-Fieux et al. (2011) identified a complex heterozygous individual, with a clinical diagnosis of cystic fibrosis based on sweat chloride values who had no other pulmonary or intestinal symptoms, who carried three other variants on the maternal allele and the p.Gln493Ter variant on the paternal allele. The p.Gln493Ter variant was absent from 2456 controls and is reported at a frequency of 0.000047 in the European (non-Finnish) population of the Genome Aggregation Database. Due to the potential impact of stop-gained variants and the evidence available, the p.Gln493Ter variant is classified as pathogenic for CFTR-related disorders. This variant was observed by ICSL as part of a predisposition screen in an ostensibly healthy population.

Women's Health and Genetics/Laboratory Corporation of America, LabCorp
Classification: Pathogenic for Cystic fibrosis. Last evaluated: 2016-04-14. Review status: criteria provided, single submitter. Criteria: LabCorp Variant Classification Summary - May 2015. Collection method: clinical testing. Allele origin: germline. Not counted in ClinVar's aggregate classification.
Comment: Variant summary: The variant of interest causes a nonsense change involving a conserved nucleotide resulting in a predicted truncated CFTR protein, a known mechanism for disease. The variant of interest was observed in the large, broad control population, ExAC, with an allele frequency of 2/121326 (1/60663), which does not exceed the predicted maximum expected allele frequency for a pathogenic CFTR variant of 1/77. The variant of interest has been reported in multiple affected individuals via publications, along with multiple reputable clinical laboratories/databases cite the variant as "pathogenic." Therefore, taking all available lines of evidence into consideration, the variant of interest is classified as Pathogenic.

Baylor Genetics
Classification: Pathogenic for Congenital bilateral aplasia of vas deferens from CFTR mutation; Cystic fibrosis. Review status: criteria provided, single submitter. Criteria: ACMG Guidelines, 2015. Collection method: clinical testing. Allele origin: germline. Not counted in ClinVar's aggregate classification.

OMIM
Classification: Pathogenic for CYSTIC FIBROSIS. Last evaluated: 1990-11-01. Review status: no assertion criteria provided. Collection method: literature only. Allele origin: germline. Not counted in ClinVar's aggregate classification.

Literature cited by the submitters: PubMed 9623398 (cited by Natera, Inc.); PubMed 9294121 (cited by Natera, Inc.); PubMed 1695717 (cited by Labcorp Genetics (formerly Invitae), Labcorp); PubMed 7691345 (cited by Labcorp Genetics (formerly Invitae), Labcorp); PubMed 9725922 (cited by Labcorp Genetics (formerly Invitae), Labcorp); PubMed 1376016 (cited by Labcorp Genetics (formerly Invitae), Labcorp and Illumina Laboratory Services, Illumina); PubMed 2236053 (cited by 5 submitters); PubMed 12815607 (cited by Labcorp Genetics (formerly Invitae), Labcorp); PubMed 21184098 (cited by Labcorp Genetics (formerly Invitae), Labcorp); PubMed 21858268 (cited by Labcorp Genetics (formerly Invitae), Labcorp and Illumina Laboratory Services, Illumina); PubMed 23974870 (cited by 4 submitters); PubMed 21520337 (cited by Ambry Genetics and Illumina Laboratory Services, Illumina); PubMed 18456578 (cited by Myriad Genetics, Inc.).